The following is an entry in ClinVar:

NM_024513.4(FYCO1):c.*308A>G

Gene: FYCO1 (FYVE and coiled-coil domain autophagy adaptor 1; minus strand). Cytogenetic location: 3p21.31.
Variant type: single nucleotide variant.
Coding change: c.*308A>G on transcript NM_024513.4 (MANE Select); 308 bases downstream of the stop codon, A replaced by G.
Molecular consequence: 3 prime UTR variant.
Genome position (GRCh38, 1-based): chr3:45,921,457, T>C on the plus strand (A>G on the coding strand, the complement: FYCO1 is on the minus strand). VCF-style: chr3-45921457-T-C. GRCh37 (hg19) VCF-style: chr3-45962949-T-C.
Identifiers: ClinVar variation 345488 (VCV000345488.6), dbSNP rs2291471, ClinGen allele CA10618702.
Genomic context (GRCh38, chr3:45,921,457, plus strand): 5'-GGCAGAAGTTGGAATCACCCCTGCCCGTGAAACTCTCCACAAGAGGCCTGTAGCCAACTG[T>C]GCTCCCAGGAGAGGCTGATGGTCTCCTGGGTGTTTAAACCTTTGGCAGAGCATCCCTTTG-3'

ClinVar aggregate classification (germline): Benign. Review status: criteria provided, multiple submitters, no conflicts (2 of 4 stars). 2 submissions from 2 submitters: Benign (2). Last evaluated 2018-01-13.

Conditions:
Cataract 18 (CATC2). Also called: CATARACT 18, AUTOSOMAL RECESSIVE. Identifiers: Orphanet 91492, Orphanet 98991, Orphanet 98992, Orphanet 98995, MedGen C1864908, MONDO:0012395, OMIM 610019.

Allele frequency attached by ClinVar (database versions not stated): gnomAD 0.07001 and 0.07386; TOPMed 0.07581; gnomAD exomes 0.09179; 1000 Genomes Project 30x 0.09494; 1000 Genomes Project 0.09804.
gnomAD v4.1: 33,320 of 392,828 alleles (8.5%); highest among the groups gnomAD compares: East Asian, 29%; 2,048 homozygotes.

Submissions (2):

Illumina Laboratory Services, Illumina
Classification: Benign for Cataract 18. Last evaluated: 2018-01-13. Review status: criteria provided, single submitter. Criteria: ICSL Variant Classification Criteria 13 December 2019. Collection method: clinical testing. Allele origin: germline.
Comment: This variant was observed in the ICSL laboratory as part of a predisposition screen in an ostensibly healthy population. It had not been previously curated by ICSL or reported in the Human Gene Mutation Database (HGMD: prior to June 1st, 2018), and was therefore a candidate for classification through an automated scoring system. Utilizing variant allele frequency, disease prevalence and penetrance estimates, and inheritance mode, an automated score was calculated to assess if this variant is too frequent to cause the disease. Based on the score and internal cut-off values, a variant classified as benign is not then subjected to further curation. The score for this variant resulted in a classification of benign for this disease.

Breakthrough Genomics
Classification: Benign. Review status: criteria provided, single submitter. Criteria: ACMG Guidelines, 2015. Collection method: not provided. Allele origin: germline. Inheritance: Autosomal recessive inheritance. Affected: yes.